The following is an entry in ClinVar:

ClinVar aggregate classification (germline): Uncertain significance (1 of 4 stars; one submission).

Conditions:
Pyruvate dehydrogenase E3 deficiency (DLDD). Also called: Dihydrolipoamide Dehydrogenase Deficiency; MAPLE SYRUP URINE DISEASE, TYPE III; DLD DEFICIENCY; E3 DEFICIENCY; Dihydrolipoamide Dehydrogenase (E3) Deficiency; Dihydrolipoamide Dehydrogenase E3 Deficiency. Identifiers: Orphanet 2394, Orphanet 765, MedGen C5574660, MONDO:0009529, OMIM 246900.

Allele frequency attached by ClinVar (database versions not stated): gnomAD exomes 0.00001; ExAC 0.00002; gnomAD 0.00009; 1000 Genomes Project 30x 0.00016; 1000 Genomes Project 0.00020.
gnomAD v4.1: 33 of 1,606,384 alleles (0.0021%); highest among the groups gnomAD compares: African/African-American, 0.043%; no homozygotes.

Submission:

Labcorp Genetics (formerly Invitae), Labcorp
Classification: Uncertain significance for Pyruvate dehydrogenase E3 deficiency. Last evaluated: 2022-08-02. Review status: criteria provided, single submitter. Criteria: Invitae Variant Classification Sherloc (09022015). Collection method: clinical testing. Allele origin: germline.
Comment: This sequence change falls in intron 2 of the DLD gene. It does not directly change the encoded amino acid sequence of the DLD protein. This variant is present in population databases (rs191371200, gnomAD 0.03%). This variant has not been reported in the literature in individuals affected with DLD-related conditions. Algorithms developed to predict the effect of sequence changes on RNA splicing suggest that this variant may create or strengthen a splice site. In summary, the available evidence is currently insufficient to determine the role of this variant in disease. Therefore, it has been classified as a Variant of Uncertain Significance.

NM_000108.5(DLD):c.118+12A>G

Gene: DLD (dihydrolipoamide dehydrogenase; plus strand). Cytogenetic location: 7q31.1.
Variant type: single nucleotide variant.
Coding change: c.118+12A>G on transcript NM_000108.5 (MANE Select); 12 bases into the intron after coding-DNA position 118, A replaced by G.
Molecular consequence: intron variant.
Genome position (GRCh38, 1-based): chr7:107,893,290, A>G. VCF-style: chr7-107893290-A-G. GRCh37 (hg19) VCF-style: chr7-107533735-A-G.
Other names: c.118+12A>G (NM_001289752.1, NM_001289751.1); c.-31+12A>G (NM_001289750.1).
Identifiers: ClinVar variation 2154708 (VCV002154708.1), dbSNP rs191371200, ClinGen allele CA4434358.